The following is an entry in ClinVar:

NM_005529.7(HSPG2):c.831C>T (p.Pro277=)

Gene: HSPG2 (heparan sulfate proteoglycan 2; minus strand). Cytogenetic location: 1p36.12.
Variant type: single nucleotide variant.
Coding change: c.831C>T on transcript NM_005529.7 (MANE Select); coding-DNA position 831, C replaced by T.
Protein change: p.Pro277=; no amino-acid change (proline 277 retained).
Molecular consequence: synonymous variant.
Genome position (GRCh38, 1-based): chr1:21,887,547, G>A on the plus strand (C>T on the coding strand, the complement: HSPG2 is on the minus strand). VCF-style: chr1-21887547-G-A. GRCh37 (hg19) VCF-style: chr1-22214040-G-A.
Other names: c.831C>T, p.Pro277= (NM_001291860.2).
Identifiers: ClinVar variation 295905 (VCV000295905.51), dbSNP rs41310388, ClinGen allele CA673686.

ClinVar aggregate classification (germline): Benign/Likely benign. Review status: criteria provided, multiple submitters, no conflicts (2 of 4 stars). 9 submissions from 8 submitters: Benign (7); Likely benign (2). Last evaluated 2026-08-01.

Conditions:
Connective tissue disorder. Also called: Connective tissue disease. Identifiers: MedGen C0009782, MONDO:0003900.
Lethal Kniest-like syndrome (DDSH). Also called: Dyssegmental Dysplasia. Identifiers: Orphanet 1865, MedGen C1857100, MONDO:0009140, OMIM 224410.
Schwartz-Jampel syndrome. Also called: Myotonic myopathy dwarfism chondrodystrophy and ocular and facial abnormalities. Identifiers: Orphanet 800, MedGen C0036391, MONDO:0009717.

Allele frequency attached by ClinVar (database versions not stated): 1000 Genomes Project 0.00579; 1000 Genomes Project 30x 0.00734; TOPMed 0.00908; gnomAD 0.00944 and 0.00969; gnomAD exomes 0.01062; ExAC 0.01071; ESP Exome Variant Server 0.01169.
gnomAD v4.1: 21,150 of 1,614,116 alleles (1.3%); highest among the groups gnomAD compares: Middle Eastern, 1.6%; 166 homozygotes.

Submissions (9):

CeGaT Center for Human Genetics Tuebingen
Classification: Benign. Last evaluated: 2026-08-01. Review status: criteria provided, single submitter. Criteria: CeGaT Center For Human Genetics Tuebingen Variant Classification Criteria Version 2. Collection method: clinical testing. Allele origin: germline. Affected: yes. Observed: 36 variant alleles.
Comment: HSPG2: BP4, BP7, BS1, BS2

Labcorp Genetics (formerly Invitae), Labcorp
Classification: Benign. Last evaluated: 2026-01-27. Review status: criteria provided, single submitter. Criteria: Invitae Variant Classification Sherloc (09022015). Collection method: clinical testing. Allele origin: germline.

ARUP Laboratories, Molecular Genetics and Genomics, ARUP Laboratories
Classification: Benign. Last evaluated: 2025-02-20. Review status: criteria provided, single submitter. Criteria: ARUP Molecular Germline Variant Investigation Process 2024. Collection method: clinical testing. Allele origin: germline.

Genome Diagnostics Laboratory, The Hospital for Sick Children
Classification: Benign for Connective tissue disorder. Last evaluated: 2022-07-18. Review status: criteria provided, single submitter. Criteria: ACMG Guidelines, 2015. Collection method: clinical testing. Allele origin: germline.

GeneDx
Classification: Likely benign. Last evaluated: 2020-12-04. Review status: criteria provided, single submitter. Criteria: GeneDx Variant Classification Process June 2021. Collection method: clinical testing. Allele origin: germline. Affected: yes.

Athena Diagnostics
Classification: Benign. Last evaluated: 2019-04-23. Review status: criteria provided, single submitter. Criteria: Athena Diagnostics Criteria. Collection method: clinical testing. Allele origin: germline.

Illumina Laboratory Services, Illumina
Classification: Benign for Lethal Kniest-like syndrome. Last evaluated: 2018-01-12. Review status: criteria provided, single submitter. Criteria: ICSL Variant Classification Criteria 13 December 2019. Collection method: clinical testing. Allele origin: germline.
Comment: This variant was observed in the ICSL laboratory as part of a predisposition screen in an ostensibly healthy population. It had not been previously curated by ICSL or reported in the Human Gene Mutation Database (HGMD: prior to June 1st, 2018), and was therefore a candidate for classification through an automated scoring system. Utilizing variant allele frequency, disease prevalence and penetrance estimates, and inheritance mode, an automated score was calculated to assess if this variant is too frequent to cause the disease. Based on the score and internal cut-off values, a variant classified as benign is not then subjected to further curation. The score for this variant resulted in a classification of benign for this disease.

Illumina Laboratory Services, Illumina
Classification: Benign for Schwartz-Jampel syndrome type 1. Last evaluated: 2018-01-12. Review status: criteria provided, single submitter. Criteria: ICSL Variant Classification Criteria 13 December 2019. Collection method: clinical testing. Allele origin: germline.
Comment: the same text as in the submission from Illumina Laboratory Services, Illumina above.

Breakthrough Genomics
Classification: Likely benign. Review status: criteria provided, single submitter. Criteria: ACMG Guidelines, 2015. Collection method: not provided. Allele origin: germline. Inheritance: Autosomal recessive inheritance. Affected: yes.